The following is an entry in ClinVar:

ClinVar aggregate classification (germline): Conflicting classifications of pathogenicity. Review status: criteria provided, conflicting classifications (1 of 4 stars). 6 submissions from 6 submitters: Uncertain significance (1); Benign (1); Likely benign (2). 2 of the submissions do not count toward it. Last evaluated 2026-01-22.

Conditions:
Congenital stationary night blindness 1D. Also called: Night blindness, congenital stationary (complete), 1D, autosomal recessive. Identifiers: Orphanet 215, MedGen C3151193, MONDO:0013450, OMIM 613830.

Allele frequency attached by ClinVar (database versions not stated): 1000 Genomes Project 0.00040; gnomAD 0.00173 and 0.00190; TOPMed 0.00193; ExAC 0.00207; ESP Exome Variant Server 0.00252.
gnomAD v4.1: 3,966 of 1,613,838 alleles (0.25%); highest among the groups gnomAD compares: Non-Finnish European, 0.3%; 5 homozygotes.

Submissions (6):

Labcorp Genetics (formerly Invitae), Labcorp
Classification: Benign. Last evaluated: 2026-01-22. Review status: criteria provided, single submitter. Criteria: Invitae Variant Classification Sherloc (09022015). Collection method: clinical testing. Allele origin: germline.

Blueprint Genetics
Classification: Likely benign. Last evaluated: 2024-11-07. Review status: criteria provided, single submitter. Criteria: ACMG Guidelines, 2015. Collection method: clinical testing. Allele origin: germline.

Illumina Laboratory Services, Illumina
Classification: Likely benign for Congenital stationary night blindness 1D. Last evaluated: 2018-01-12. Review status: criteria provided, single submitter. Criteria: ICSL Variant Classification Criteria 13 December 2019. Collection method: clinical testing. Allele origin: germline.
Comment: This variant was observed in the ICSL laboratory as part of a predisposition screen in an ostensibly healthy population. It had not been previously curated by ICSL or reported in the Human Gene Mutation Database (HGMD: prior to June 1st, 2018), and was therefore a candidate for classification through an automated scoring system. Utilizing variant allele frequency, disease prevalence and penetrance estimates, and inheritance mode, an automated score was calculated to assess if this variant is too frequent to cause the disease. Based on the score and internal cut-off values, a variant classified as likely benign is not then subjected to further curation. The score for this variant resulted in a classification of likely benign for this disease.

Eurofins Ntd Llc (ga)
Classification: Uncertain significance. Last evaluated: 2015-03-11. Review status: criteria provided, single submitter. Criteria: EGL Classification Definitions 2015. Collection method: clinical testing. Allele origin: germline. Observed: 1 variant allele, 1 heterozygote.

Clinical Genetics DNA and cytogenetics Diagnostics Lab, Erasmus MC, Erasmus Medical Center
Classification: Likely benign. Review status: no assertion criteria provided. Collection method: clinical testing. Allele origin: germline. Affected: yes. Study: VKGL Data-share Consensus. Not counted in ClinVar's aggregate classification.

Clinical Genetics, Academic Medical Center
Classification: Benign. Review status: no assertion criteria provided. Collection method: clinical testing. Allele origin: germline. Affected: yes. Study: VKGL Data-share Consensus. Not counted in ClinVar's aggregate classification.

NM_004727.3(SLC24A1):c.2778C>T (p.Pro926=)

Gene: SLC24A1 (solute carrier family 24 member 1; plus strand). Cytogenetic location: 15q22.31.
Variant type: single nucleotide variant.
Coding change: c.2778C>T on transcript NM_004727.3 (MANE Select); coding-DNA position 2778, C replaced by T.
Protein change: p.Pro926=; no amino-acid change (proline 926 retained).
Molecular consequence: synonymous variant.
Genome position (GRCh38, 1-based): chr15:65,650,927, C>T. VCF-style: chr15-65650927-C-T. GRCh37 (hg19) VCF-style: chr15-65943265-C-T.
Other names: c.759C>T, p.Pro253= (NM_001254740.2); c.2778C>T, p.Pro926= (NM_001301031.1); c.2724C>T, p.Pro908= (NM_001301032.1, NM_001301033.2).
Identifiers: ClinVar variation 198521 (VCV000198521.22), dbSNP rs117685425, ClinGen allele CA247206.